The following is an entry in ClinVar:

NM_001077268.2(ZFYVE19):c.1192C>T (p.Arg398Cys)

Gene: ZFYVE19 (zinc finger FYVE-type containing 19; plus strand). Cytogenetic location: 15q15.1.
Variant type: single nucleotide variant.
Coding change: c.1192C>T on transcript NM_001077268.2 (MANE Select); coding-DNA position 1192, C replaced by T.
Protein change: p.Arg398Cys; replaces arginine 398 with cysteine.
Molecular consequence: missense variant.
Genome position (GRCh38, 1-based): chr15:40,813,794, C>T. VCF-style: chr15-40813794-C-T. GRCh37 (hg19) VCF-style: chr15-41105992-C-T.
Other names: c.988C>T, p.Arg330Cys (NM_001258420.2); c.667C>T, p.Arg223Cys (NM_001258421.2); c.1162C>T, p.Arg388Cys (NM_032850.5); short protein forms R223C, R330C, R388C, R398C.
Identifiers: ClinVar variation 3234179 (VCV003234179.20), dbSNP rs72735636, ClinGen allele CA7485909.

ClinVar aggregate classification (germline): Likely benign (1 of 4 stars; one submission).

Allele frequency attached by ClinVar (database versions not stated): 1000 Genomes Project 0.00100; 1000 Genomes Project 30x 0.00109; gnomAD 0.00190; ESP Exome Variant Server 0.00303; TOPMed 0.00207; ExAC 0.00243.
gnomAD v4.1: 4,163 of 1,613,856 alleles (0.26%); highest among the groups gnomAD compares: South Asian, 0.47%; 16 homozygotes.

Submission:

CeGaT Center for Human Genetics Tuebingen
Classification: Likely benign. Last evaluated: 2026-02-01. Review status: criteria provided, single submitter. Criteria: CeGaT Center For Human Genetics Tuebingen Variant Classification Criteria Version 2. Collection method: clinical testing. Allele origin: germline. Affected: yes. Observed: 1 variant allele.
Comment: ZFYVE19: BP4